The following is an entry in ClinVar:

NM_080632.1(UPF3B):c.-160C>T

Gene: UPF3B (UPF3B regulator of nonsense mediated mRNA decay; minus strand). Cytogenetic location: Xq24.
Variant type: single nucleotide variant.
Coding change: c.-160C>T on transcript NM_080632.1; 160 bases upstream of the start codon, C replaced by T.
Genome position (GRCh38, 1-based): chrX:119,853,088, G>A on the plus strand (C>T on the coding strand, the complement: UPF3B is on the minus strand). VCF-style: chrX-119853088-G-A. GRCh37 (hg19) VCF-style: chrX-118987051-G-A.
Identifiers: ClinVar variation 670828 (VCV000670828.4), dbSNP rs144417011, ClinGen allele CA334132505.
Genomic context (GRCh38, chrX:119,853,088, plus strand): 5'-CCCCTTGTGATAAGTCGGGCCCCACGTTCCATTGGGTCCTGCCAAGCTCTCGCGAGACTT[G>A]GGCCTTTCCCAGTGCAAAGGTTTTAACACCTGGTTTTTACTTCCCGCCCGCCAAGTTCCT-3'

ClinVar aggregate classification (germline): Benign. Review status: criteria provided, multiple submitters, no conflicts (2 of 4 stars). 2 submissions from 2 submitters: Benign (2). Last evaluated 2018-06-14.

Allele frequency attached by ClinVar (database versions not stated): 1000 Genomes Project 30x 0.02268; gnomAD 0.04895 and 0.04732; 1000 Genomes Project 0.02384; TOPMed 0.04438.

Submissions (2):

GeneDx
Classification: Benign. Last evaluated: 2018-06-14. Review status: criteria provided, single submitter. Criteria: GeneDx Variant Classification (06012015). Collection method: clinical testing. Allele origin: germline. Affected: yes.
Comment: This variant is considered likely benign or benign based on one or more of the following criteria: it is a conservative change, it occurs at a poorly conserved position in the protein, it is predicted to be benign by multiple in silico algorithms, and/or has population frequency not consistent with disease.

Breakthrough Genomics
Classification: Benign. Review status: criteria provided, single submitter. Criteria: ACMG Guidelines, 2015. Collection method: not provided. Allele origin: germline. Inheritance: X-linked inheritance. Affected: yes.